The following is an entry in ClinVar:

NM_000080.4(CHRNE):c.742A>T (p.Ile248Phe)

Genes: C17orf107 (chromosome 17 open reading frame 107; plus strand), CHRNE (cholinergic receptor nicotinic epsilon subunit; minus strand). Cytogenetic location: 17p13.2.
Variant type: single nucleotide variant.
Coding change: c.742A>T on transcript NM_000080.4 (MANE Select); coding-DNA position 742, A replaced by T.
Protein change: p.Ile248Phe; replaces isoleucine 248 with phenylalanine.
Molecular consequence: missense variant. On other transcripts: 3 prime UTR variant (1).
Genome position (GRCh38, 1-based): chr17:4,901,050, T>A on the plus strand (A>T on the coding strand, the complement: CHRNE is on the minus strand). VCF-style: chr17-4901050-T-A. GRCh37 (hg19) VCF-style: chr17-4804345-T-A.
Other names: c.*517T>A (NM_001145536.2); short protein forms I248F.
Identifiers: ClinVar variation 4805611 (VCV004805611.1).

ClinVar aggregate classification (germline): Uncertain significance (1 of 4 stars; one submission).

Conditions:
Congenital myasthenic syndrome 4A. Also called: Myasthenic syndrome, congenital, 4a, slow-channel; CONGENITAL MYASTHENIC SYNDROME TYPE Ia1; MYASTHENIC SYNDROME, CONGENITAL, 4A, SLOW-CHANNEL, AUTOSOMAL RECESSIVE. Identifiers: Orphanet 590, MedGen C4225413, MONDO:0011600, OMIM 605809.

Submission:

Labcorp Genetics (formerly Invitae), Labcorp
Classification: Uncertain significance for Congenital myasthenic syndrome 4A. Last evaluated: 2025-07-27. Review status: criteria provided, single submitter. Criteria: Invitae Variant Classification Sherloc (09022015). Collection method: clinical testing. Allele origin: germline.
Comment: This sequence change replaces isoleucine, which is neutral and non-polar, with phenylalanine, which is neutral and non-polar, at codon 248 of the CHRNE protein (p.Ile248Phe). This variant is not present in population databases (gnomAD no frequency). This variant has not been reported in the literature in individuals affected with CHRNE-related conditions. Invitae Evidence Modeling of protein sequence and biophysical properties (such as structural, functional, and spatial information, amino acid conservation, physicochemical variation, residue mobility, and thermodynamic stability) indicates that this missense variant is expected to disrupt CHRNE protein function with a positive predictive value of 80%. In summary, the available evidence is currently insufficient to determine the role of this variant in disease. Therefore, it has been classified as a Variant of Uncertain Significance.